The following is an entry in ClinVar:

ClinVar aggregate classification (germline): Benign/Likely benign. Review status: criteria provided, multiple submitters, no conflicts (2 of 4 stars). 9 submissions from 9 submitters: Benign (2); Likely benign (4). 3 of the submissions do not count toward it. Last evaluated 2026-01-16.

Conditions:
CTNNA3-related disorder. Also called: CTNNA3-related condition.
Arrhythmogenic right ventricular dysplasia 13. Also called: ARRHYTHMOGENIC RIGHT VENTRICULAR CARDIOMYOPATHY 13; Arrhythmogenic right ventricular dysplasia, familial, 13. Identifiers: MedGen C3810138, MONDO:0000908, OMIM 615616.

Allele frequency attached by ClinVar (database versions not stated): TOPMed 0.00243; gnomAD 0.00255; gnomAD exomes 0.00056; ExAC 0.00071; 1000 Genomes Project 30x 0.00219; 1000 Genomes Project 0.00220; ESP Exome Variant Server 0.00238.
gnomAD v4.1: 734 of 1,613,020 alleles (0.046%); highest among the groups gnomAD compares: African/African-American, 0.87%; 2 homozygotes.

Submissions (9):

Labcorp Genetics (formerly Invitae), Labcorp
Classification: Benign for Arrhythmogenic right ventricular dysplasia 13. Last evaluated: 2026-01-16. Review status: criteria provided, single submitter. Criteria: Invitae Variant Classification Sherloc (09022015). Collection method: clinical testing. Allele origin: germline.

Blueprint Genetics
Classification: Likely benign. Last evaluated: 2024-11-01. Review status: criteria provided, single submitter. Criteria: ACMG Guidelines, 2015. Collection method: clinical testing. Allele origin: germline.

Women's Health and Genetics/Laboratory Corporation of America, LabCorp
Classification: Benign. Last evaluated: 2023-12-17. Review status: criteria provided, single submitter. Criteria: LabCorp Variant Classification Summary - May 2015. Collection method: clinical testing. Allele origin: germline.

Ambry Genetics
Classification: Likely benign. Last evaluated: 2022-02-20. Review status: criteria provided, single submitter. Criteria: Ambry Variant Classification Scheme 2023. Collection method: clinical testing. Allele origin: germline.

GeneDx
Classification: Likely benign. Last evaluated: 2020-07-14. Review status: criteria provided, single submitter. Criteria: GeneDx Variant Classification Process June 2021. Collection method: clinical testing. Allele origin: germline. Affected: yes.

Breakthrough Genomics
Classification: Likely benign. Review status: criteria provided, single submitter. Criteria: ACMG Guidelines, 2015. Collection method: not provided. Allele origin: germline. Inheritance: Autosomal dominant inheritance. Affected: yes.

PreventionGenetics, part of Exact Sciences
Classification: Benign for CTNNA3-related condition. Last evaluated: 2019-02-20. Review status: no assertion criteria provided. Collection method: clinical testing. Allele origin: germline. Not counted in ClinVar's aggregate classification.
Comment: This variant is classified as benign based on ACMG/AMP sequence variant interpretation guidelines (Richards et al. 2015 PMID: 25741868, with internal and published modifications).

Clinical Genetics DNA and cytogenetics Diagnostics Lab, Erasmus MC, Erasmus Medical Center
Classification: Likely benign. Review status: no assertion criteria provided. Collection method: clinical testing. Allele origin: germline. Affected: yes. Study: VKGL Data-share Consensus. Not counted in ClinVar's aggregate classification.

Clinical Genetics, Academic Medical Center
Classification: Benign. Review status: no assertion criteria provided. Collection method: clinical testing. Allele origin: germline. Affected: yes. Study: VKGL Data-share Consensus. Not counted in ClinVar's aggregate classification.

NM_013266.4(CTNNA3):c.483C>T (p.Leu161=)

Gene: CTNNA3 (catenin alpha 3; minus strand). Cytogenetic location: 10q21.3.
Variant type: single nucleotide variant.
Coding change: c.483C>T on transcript NM_013266.4 (MANE Select); coding-DNA position 483, C replaced by T.
Protein change: p.Leu161=; no amino-acid change (leucine 161 retained).
Molecular consequence: synonymous variant.
Genome position (GRCh38, 1-based): chr10:67,521,938, G>A on the plus strand (C>T on the coding strand, the complement: CTNNA3 is on the minus strand). VCF-style: chr10-67521938-G-A. GRCh37 (hg19) VCF-style: chr10-69281696-G-A.
Other names: c.483C>T, p.Leu161= (NM_001127384.3); c.519C>T, p.Leu173= (NM_001291133.2).
Identifiers: ClinVar variation 415377 (VCV000415377.23), dbSNP rs74142830, ClinGen allele CA5520596.